The following is an entry in ClinVar:

ClinVar aggregate classification (germline): Uncertain significance. Review status: criteria provided, multiple submitters, no conflicts (2 of 4 stars). 2 submissions from 2 submitters: Uncertain significance (2). Last evaluated 2025-10-07.

Conditions:
Inborn genetic diseases. Identifiers: MedGen C0950123, MeSH D030342.
Hereditary spastic paraplegia 61. Also called: Spastic paraplegia 61, autosomal recessive. Identifiers: Orphanet 401780, MedGen C3810294, MONDO:0014304, OMIM 615685.

Allele frequency attached by ClinVar (database versions not stated): TOPMed 0.00002; gnomAD 0.00003; gnomAD exomes 0.00003; ExAC 0.00011; 1000 Genomes Project 0.00020; 1000 Genomes Project 30x 0.00031.
gnomAD v4.1: 55 of 1,612,904 alleles (0.0034%); highest among the groups gnomAD compares: South Asian, 0.044%; no homozygotes.

Submissions (2):

Ambry Genetics
Classification: Uncertain significance for Inborn genetic diseases. Last evaluated: 2025-10-07. Review status: criteria provided, single submitter. Criteria: Ambry Variant Classification Scheme 2023. Collection method: clinical testing. Allele origin: germline.

Labcorp Genetics (formerly Invitae), Labcorp
Classification: Uncertain significance for Hereditary spastic paraplegia 61. Last evaluated: 2024-12-09. Review status: criteria provided, single submitter. Criteria: Invitae Variant Classification Sherloc (09022015). Collection method: clinical testing. Allele origin: germline.
Comment: This sequence change replaces asparagine, which is neutral and polar, with serine, which is neutral and polar, at codon 6 of the ARL6IP1 protein (p.Asn6Ser). This variant is present in population databases (rs534190527, gnomAD 0.06%). This variant has not been reported in the literature in individuals affected with ARL6IP1-related conditions. ClinVar contains an entry for this variant (Variation ID: 1918023). Experimental studies and prediction algorithms are not available or were not evaluated, and the functional significance of this variant is currently unknown. In summary, the available evidence is currently insufficient to determine the role of this variant in disease. Therefore, it has been classified as a Variant of Uncertain Significance.

NM_015161.3(ARL6IP1):c.17A>G (p.Asn6Ser)

Genes: ARL6IP1 (ARL6 interacting reticulophagy regulator 1; minus strand), LOC130058582 (ATAC-STARR-seq lymphoblastoid active region 10520; plus strand). Cytogenetic location: 16p12.3.
Variant type: single nucleotide variant.
Coding change: c.17A>G on transcript NM_015161.3 (MANE Select); coding-DNA position 17, A replaced by G.
Protein change: p.Asn6Ser; replaces asparagine 6 with serine.
Molecular consequence: missense variant.
Genome position (GRCh38, 1-based): chr16:18,801,450, T>C on the plus strand (A>G on the coding strand, the complement: ARL6IP1 is on the minus strand). VCF-style: chr16-18801450-T-C. GRCh37 (hg19) VCF-style: chr16-18812772-T-C.
Other names: c.17A>G (NM_015161.1); short protein forms N6S.
Identifiers: ClinVar variation 1918023 (VCV001918023.6), dbSNP rs534190527, ClinGen allele CA7929584.